The following is an entry in ClinVar:

NM_013447.4(ADGRE2):c.1334T>C (p.Leu445Pro)

Gene: ADGRE2 (adhesion G protein-coupled receptor E2; minus strand). Cytogenetic location: 19p13.12.
Variant type: single nucleotide variant.
Coding change: c.1334T>C on transcript NM_013447.4 (MANE Select); coding-DNA position 1334, T replaced by C.
Protein change: p.Leu445Pro; replaces leucine 445 with proline.
Molecular consequence: missense variant.
Genome position (GRCh38, 1-based): chr19:14,755,736, A>G on the plus strand (T>C on the coding strand, the complement: ADGRE2 is on the minus strand). VCF-style: chr19-14755736-A-G. GRCh37 (hg19) VCF-style: chr19-14866548-A-G.
Other names: c.1334T>C (NM_013447.2); c.1334T>C, p.Leu445Pro (NM_001271052.1); c.1187T>C, p.Leu396Pro (NM_152916.2); c.1055T>C, p.Leu352Pro (NM_152917.2); short protein forms L352P, L445P, L396P.
Identifiers: ClinVar variation 2186585 (VCV002186585.5), dbSNP rs146325095, ClinGen allele CA9257742.

ClinVar aggregate classification (germline): Uncertain significance. Review status: criteria provided, multiple submitters, no conflicts (2 of 4 stars). 2 submissions from 2 submitters: Uncertain significance (2). Last evaluated 2024-10-06.

Allele frequency attached by ClinVar (database versions not stated): gnomAD exomes 0.00001; ExAC 0.00003; gnomAD 0.00015; 1000 Genomes Project 30x 0.00016; 1000 Genomes Project 0.00020; TOPMed 0.00021; ESP Exome Variant Server 0.00023.
gnomAD v4.1: 40 of 1,614,186 alleles (0.0025%); highest among the groups gnomAD compares: African/African-American, 0.053%; no homozygotes.

Submissions (2):

Labcorp Genetics (formerly Invitae), Labcorp
Classification: Uncertain significance. Last evaluated: 2024-10-06. Review status: criteria provided, single submitter. Criteria: Invitae Variant Classification Sherloc (09022015). Collection method: clinical testing. Allele origin: germline.
Comment: This sequence change replaces leucine, which is neutral and non-polar, with proline, which is neutral and non-polar, at codon 445 of the ADGRE2 protein (p.Leu445Pro). This variant is present in population databases (rs146325095, gnomAD 0.04%). This variant has not been reported in the literature in individuals affected with ADGRE2-related conditions. ClinVar contains an entry for this variant (Variation ID: 2186585). An algorithm developed to predict the effect of missense changes on protein structure and function (PolyPhen-2) suggests that this variant is likely to be disruptive. In summary, the available evidence is currently insufficient to determine the role of this variant in disease. Therefore, it has been classified as a Variant of Uncertain Significance.

Ambry Genetics
Classification: Uncertain significance. Last evaluated: 2023-12-18. Review status: criteria provided, single submitter. Criteria: Ambry Variant Classification Scheme 2023. Collection method: clinical testing. Allele origin: germline.